The following is an entry in ClinVar:

ClinVar aggregate classification (germline): Uncertain significance (1 of 4 stars; one submission).

Conditions:
Familial adenomatous polyposis 1 (FAP1). Also called: FAMILIAL ADENOMATOUS POLYPOSIS 1, ATTENUATED; POLYPOSIS, ADENOMATOUS INTESTINAL. Identifiers: MedGen C2713442, MONDO:0021056, OMIM 175100. Disease mechanism: loss of function.

Submission:

Labcorp Genetics (formerly Invitae), Labcorp
Classification: Uncertain significance for Familial adenomatous polyposis 1. Last evaluated: 2024-03-09. Review status: criteria provided, single submitter. Criteria: Invitae Variant Classification Sherloc (09022015). Collection method: clinical testing. Allele origin: germline.
Comment: This sequence change replaces leucine, which is neutral and non-polar, with tryptophan, which is neutral and slightly polar, at codon 826 of the APC protein (p.Leu826Trp). This variant is not present in population databases (gnomAD no frequency). This variant has not been reported in the literature in individuals affected with APC-related conditions. Advanced modeling of protein sequence and biophysical properties (such as structural, functional, and spatial information, amino acid conservation, physicochemical variation, residue mobility, and thermodynamic stability) performed at Invitae indicates that this missense variant is not expected to disrupt APC protein function with a negative predictive value of 95%. In summary, the available evidence is currently insufficient to determine the role of this variant in disease. Therefore, it has been classified as a Variant of Uncertain Significance.

NM_000038.6(APC):c.2477T>G (p.Leu826Trp)

Gene: APC (APC regulator of Wnt signaling pathway; plus strand). Cytogenetic location: 5q22.2.
Variant type: single nucleotide variant.
Coding change: c.2477T>G on transcript NM_000038.6 (MANE Select); coding-DNA position 2477, T replaced by G.
Protein change: p.Leu826Trp; replaces leucine 826 with tryptophan.
Molecular consequence: missense variant. On other transcripts: non-coding transcript variant (2).
Genome position (GRCh38, 1-based): chr5:112,838,071, T>G. VCF-style: chr5-112838071-T-G. GRCh37 (hg19) VCF-style: chr5-112173768-T-G.
Other names: c.2090T>G, p.Leu697Trp (NM_001407467.1, NM_001407469.1); c.1628T>G, p.Leu543Trp (NM_001407470.1, NM_001354906.2); c.1325T>G, p.Leu442Trp (NM_001407471.1, NM_001407472.1); c.2477T>G, p.Leu826Trp (NM_001127510.3, NM_001354895.2, NM_001407450.1); c.2423T>G, p.Leu808Trp (NM_001127511.3); c.2531T>G, p.Leu844Trp (NM_001354896.2, NM_001407447.1, NM_001407448.1 and 1 more transcripts); c.2507T>G, p.Leu836Trp (NM_001354897.2); c.2402T>G, p.Leu801Trp (NM_001354898.2); and 11 more; short protein forms L666W, L725W, L767W, L798W, L816W, L854W, L442W, L543W.
Identifiers: ClinVar variation 3635428 (VCV003635428.2).